The following is an entry in ClinVar:

ClinVar aggregate classification (germline): Uncertain significance. Review status: criteria provided, multiple submitters, no conflicts (2 of 4 stars). 2 submissions from 2 submitters: Uncertain significance (2). Last evaluated 2023-06-26.

Conditions:
Cardiomyopathy (CMYO). Also called: Cardiomyopathies. Identifiers: Orphanet 167848, MedGen C0878544, MONDO:0004994, HP:0001638. Inheritance: Various modes of inheritance.
Hypertrophic cardiomyopathy. Also called: HYPERTROPHIC MYOCARDIOPATHY. Identifiers: Orphanet 217569, MedGen C0007194, MeSH D002312, MONDO:0005045, HP:0001639.

Allele frequency attached by ClinVar (database versions not stated): gnomAD exomes below 0.00001.
gnomAD v4.1: 1 of 1,614,064 alleles (0.000062%); highest among the groups gnomAD compares: Non-Finnish European, 0.000085%; no homozygotes.

Submissions (2):

All of Us Research Program, National Institutes of Health
Classification: Uncertain significance for Hypertrophic cardiomyopathy. Last evaluated: 2023-06-26. Review status: criteria provided, single submitter. Criteria: ACMG Guidelines, 2015. Collection method: clinical testing. Allele origin: germline. Inheritance: Autosomal dominant inheritance. Observed: 1 variant allele, 1 heterozygote.
Comment: This missense variant replaces methionine with threonine at codon 69 of the MYL3 protein. Computational prediction is inconclusive regarding the impact of this variant on protein structure and function (internally defined REVEL score threshold 0.5 < inconclusive < 0.7, PMID: 27666373). To our knowledge, functional studies have not been reported for this variant. This variant has not been reported in individuals affected with MYL3-related disorders in the literature. This variant has not been identified in the general population by the Genome Aggregation Database (gnomAD). The available evidence is insufficient to determine the role of this variant in disease conclusively. Therefore, this variant is classified as a Variant of Uncertain Significance.

This study involves interpretation of variants in research participants for the purpose of population health screening. Participant phenotype was not available at the time of variant classification. Additional details can be found in publication PMID: 35346344, PMCID: PMC8962531

Color Diagnostics, LLC DBA Color Health
Classification: Uncertain significance for Cardiomyopathy. Last evaluated: 2023-05-30. Review status: criteria provided, single submitter. Criteria: ACMG Guidelines, 2015. Collection method: clinical testing. Allele origin: germline.
Comment: This missense variant replaces methionine with threonine at codon 69 of the MYL3 protein. Computational prediction is inconclusive regarding the impact of this variant on protein structure and function (internally defined REVEL score threshold 0.5 < inconclusive < 0.7, PMID: 27666373). To our knowledge, functional studies have not been reported for this variant. This variant has not been reported in individuals affected with MYL3-related disorders in the literature. This variant has not been identified in the general population by the Genome Aggregation Database (gnomAD). The available evidence is insufficient to determine the role of this variant in disease conclusively. Therefore, this variant is classified as a Variant of Uncertain Significance.

NM_000258.3(MYL3):c.206T>C (p.Met69Thr)

Gene: MYL3 (myosin light chain 3; minus strand). Cytogenetic location: 3p21.31.
Variant type: single nucleotide variant.
Coding change: c.206T>C on transcript NM_000258.3 (MANE Select); coding-DNA position 206, T replaced by C.
Protein change: p.Met69Thr; replaces methionine 69 with threonine.
Molecular consequence: missense variant.
Genome position (GRCh38, 1-based): chr3:46,860,777, A>G on the plus strand (T>C on the coding strand, the complement: MYL3 is on the minus strand). VCF-style: chr3-46860777-A-G. GRCh37 (hg19) VCF-style: chr3-46902267-A-G.
Other names: c.206T>C, p.Met69Thr (NM_001406937.1, NM_001406938.1, NM_001406939.1); c.32T>C, p.Met11Thr (NM_001406940.1, NM_001406941.1); short protein forms M11T, M69T.
Identifiers: ClinVar variation 3071770 (VCV003071770.2), dbSNP rs1575498236, ClinGen allele CA352498444.